The following is an entry in ClinVar:

ClinVar aggregate classification (germline): Uncertain significance. Review status: criteria provided, multiple submitters, no conflicts (2 of 4 stars). 4 submissions from 4 submitters: Uncertain significance (4). Last evaluated 2022-06-27.

Conditions:
Neuronal ceroid lipofuscinosis. Also called: Neuronal Ceroid Lipofuscinoses. Identifiers: Orphanet 216, Orphanet 79263, MedGen C0027877, MONDO:0016295. Disease mechanism: loss of function.
Neuronal ceroid lipofuscinosis 3 (CLN3). Identifiers: Orphanet 228346, MedGen C0751383, MONDO:0008767, OMIM 204200.

Allele frequency attached by ClinVar (database versions not stated): gnomAD exomes below 0.00001; gnomAD 0.00001.
gnomAD v4.1: 2 of 1,612,216 alleles (0.00012%); highest among the groups gnomAD compares: Non-Finnish European, 0.00017%; no homozygotes.

Submissions (4):

Labcorp Genetics (formerly Invitae), Labcorp
Classification: Uncertain significance for Neuronal ceroid lipofuscinosis. Last evaluated: 2022-06-27. Review status: criteria provided, single submitter. Criteria: Invitae Variant Classification Sherloc (09022015). Collection method: clinical testing. Allele origin: germline.
Comment: This sequence change replaces leucine, which is neutral and non-polar, with glutamine, which is neutral and polar, at codon 222 of the CLN3 protein (p.Leu222Gln). This variant is present in population databases (rs781613318, gnomAD 0.007%). This variant has not been reported in the literature in individuals affected with CLN3-related conditions. ClinVar contains an entry for this variant (Variation ID: 205113). Algorithms developed to predict the effect of missense changes on protein structure and function are either unavailable or do not agree on the potential impact of this missense change (SIFT: "Deleterious"; PolyPhen-2: "Probably Damaging"; Align-GVGD: "Class C0"). Algorithms developed to predict the effect of sequence changes on RNA splicing suggest that this variant may create or strengthen a splice site. In summary, the available evidence is currently insufficient to determine the role of this variant in disease. Therefore, it has been classified as a Variant of Uncertain Significance.

Genome-Nilou Lab
Classification: Uncertain significance for Neuronal ceroid lipofuscinosis 3. Last evaluated: 2021-09-05. Review status: criteria provided, single submitter. Criteria: ACMG Guidelines, 2015. Collection method: clinical testing. Allele origin: germline. Affected: no.

GeneDx
Classification: Uncertain significance. Last evaluated: 2014-05-08. Review status: criteria provided, single submitter. Criteria: GeneDx Variant Classification (06012015). Collection method: clinical testing. Allele origin: germline. Affected: yes.
Comment: p.Leu222Gln (CTG>CAG): c.665 T>A in exon 9 of the CLN3 gene (NM_001042432.1). The L222Q variant has not been published as a mutation, nor has it been reported as a benign polymorphism to our knowledge. It was not observed in approximately 6,500 individuals of European and African American ancestry, indicating it is not a common benign variant in these populations. The L222Q variant is a non-conservative amino acid substitution, which is likely to impact secondary protein structure as these residues differ in polarity, charge, size and/or other properties. This substitution alters a position that is conserved across mammals in the fourth transmembrane domain of the CLN3 protein (Kousi et al., 2012). In silico analysis predicts this variant is probably damaging to the protein structure/function. However, missense mutations in nearby residues have not been reported. Therefore, based on the currently available information, it is unclear whether this variant is a pathogenic mutation or a rare benign variant. The variant is found in EPILEPSY panel(s).

Breakthrough Genomics
Classification: Uncertain significance. Review status: criteria provided, single submitter. Criteria: ACMG Guidelines, 2015. Collection method: not provided. Allele origin: germline. Inheritance: Autosomal recessive inheritance. Affected: yes.

NM_001042432.2(CLN3):c.665T>A (p.Leu222Gln)

Gene: CLN3 (CLN3 lysosomal/endosomal transmembrane protein, battenin; minus strand). Cytogenetic location: 16p12.1.
Variant type: single nucleotide variant.
Coding change: c.665T>A on transcript NM_001042432.2 (MANE Select); coding-DNA position 665, T replaced by A.
Protein change: p.Leu222Gln; replaces leucine 222 with glutamine.
Molecular consequence: missense variant.
Genome position (GRCh38, 1-based): chr16:28,486,359, A>T on the plus strand (T>A on the coding strand, the complement: CLN3 is on the minus strand). VCF-style: chr16-28486359-A-T. GRCh37 (hg19) VCF-style: chr16-28497680-A-T.
Other names: p.L222Q:CTG>CAG; c.665T>A, p.Leu222Gln (NM_000086.2); c.593T>A, p.Leu198Gln (NM_001286104.2); c.365T>A, p.Leu122Gln (NM_001286105.2); c.431T>A, p.Leu144Gln (NM_001286109.2); c.503T>A, p.Leu168Gln (NM_001286110.2); short protein forms L222Q, L198Q, L144Q, L122Q, L168Q.
Identifiers: ClinVar variation 205113 (VCV000205113.7), dbSNP rs781613318, ClinGen allele CA313813.